The following is an entry in ClinVar:

ClinVar aggregate classification (germline): Uncertain significance (1 of 4 stars; one submission).

Submission:

Ambry Genetics
Classification: Uncertain significance. Last evaluated: 2025-03-05. Review status: criteria provided, single submitter. Criteria: Ambry Variant Classification Scheme 2023. Collection method: clinical testing. Allele origin: germline.
Comment: The p.T598I variant (also known as c.1793C>T), located in coding exon 9 of the ATRIP gene, results from a C to T substitution at nucleotide position 1793. The threonine at codon 598 is replaced by isoleucine, an amino acid with similar properties. This amino acid position is conserved. In addition, this alteration is predicted to be tolerated by in silico analysis. Based on the available evidence, the clinical significance of this variant remains unclear.

NM_130384.3(ATRIP):c.1793C>T (p.Thr598Ile)

Genes: ATRIP (ATR interacting protein; plus strand), ATRIP-TREX1 (ATRIP-TREX1 readthrough; plus strand). Cytogenetic location: 3p21.31.
Variant type: single nucleotide variant.
Coding change: c.1793C>T on transcript NM_130384.3 (MANE Select); coding-DNA position 1793, C replaced by T.
Protein change: p.Thr598Ile; replaces threonine 598 with isoleucine.
Molecular consequence: missense variant. On other transcripts: non-coding transcript variant (1).
Genome position (GRCh38, 1-based): chr3:48,463,792, C>T. VCF-style: chr3-48463792-C-T. GRCh37 (hg19) VCF-style: chr3-48505191-C-T.
Other names: c.1412C>T, p.Thr471Ile (NM_001271022.2); c.1514C>T, p.Thr505Ile (NM_001271023.2); c.1793C>T, p.Thr598Ile (NM_032166.4); short protein forms T471I, T598I, T505I.
Identifiers: ClinVar variation 3811138 (VCV003811138.1).
Genomic context (GRCh38, chr3:48,463,792, plus strand): 5'-CCCTGTCTTTTAGGTTCCAGTGTGTGTTCCAAGTGCTGCCAAAGTGCCTCAGCCCAGAGA[C>T]ACCCCTGCCTAGCGTGCTGCTGGCTGTTGAGCTCCTCTCCCTGCTGGCGGACCACGACCA-3'
Protein context (NP_569055.1, residues 588-608): QVLPKCLSPE[Thr598Ile]PLPSVLLAVE